The following is an entry in ClinVar:

NM_000814.6(GABRB3):c.379A>G (p.Lys127Glu)

Gene: GABRB3 (gamma-aminobutyric acid type A receptor subunit beta3; minus strand). Cytogenetic location: 15q12.
Variant type: single nucleotide variant.
Coding change: c.379A>G on transcript NM_000814.6 (MANE Select); coding-DNA position 379, A replaced by G.
Protein change: p.Lys127Glu; replaces lysine 127 with glutamic acid.
Molecular consequence: missense variant. On other transcripts: non-coding transcript variant (1).
Genome position (GRCh38, 1-based): chr15:26,621,396, T>C on the plus strand (A>G on the coding strand, the complement: GABRB3 is on the minus strand). VCF-style: chr15-26621396-T-C. GRCh37 (hg19) VCF-style: chr15-26866543-T-C.
Other names: c.124A>G, p.Lys42Glu (NM_001191320.2, NM_001278631.2); c.166A>G, p.Lys56Glu (NM_001191321.3); c.379A>G, p.Lys127Glu (NM_021912.5); short protein forms K127E, K42E, K56E.
Identifiers: ClinVar variation 1067451 (VCV001067451.9), dbSNP rs2140536974, ClinGen allele CA391460803.
Genomic context (GRCh38, chr15:26,621,396, plus strand): 5'-CATCAGGGTGAAGACGGATCATGCGGTTTTTCACTGTCACTCCATGCACAAATGACTTTT[T>C]GTCATTTAAGAAATATGTGTCGGGCACCCATAGCTGGTCAGCCACTCGATTGTCAAGCGT-3'
Protein context (NP_000805.1, residues 117-137): WVPDTYFLND[Lys127Glu]KSFVHGVTVK

ClinVar aggregate classification (germline): Likely pathogenic (1 of 4 stars; one submission).

Conditions:
Epilepsy, childhood absence, susceptibility to, 1. Also called: Epilepsy, childhood absence 1. Identifiers: Orphanet 64280, MedGen C1838604, MONDO:0020759, OMIM 600131.
Epilepsy, childhood absence, susceptibility to, 5. Identifiers: Orphanet 64280, MedGen C2677087, MONDO:0012843, OMIM 612269.

Submission:

Labcorp Genetics (formerly Invitae), Labcorp
Classification: Likely pathogenic for Epilepsy, childhood absence, susceptibility to, 5; Epilepsy, childhood absence, susceptibility to, 1. Last evaluated: 2020-09-09. Review status: criteria provided, single submitter. Criteria: Invitae Variant Classification Sherloc (09022015). Collection method: clinical testing. Allele origin: germline.
Comment: This variant has not been reported in the literature in individuals with GABRB3-related conditions. This variant is not present in population databases (ExAC no frequency). In summary, the currently available evidence indicates that the variant is pathogenic, but additional data are needed to prove that conclusively. Therefore, this variant has been classified as Likely Pathogenic. This variant disrupts the p.Lys127 amino acid residue in GABRB3. Other variant(s) that disrupt this residue have been determined to be pathogenic (PMID: 28053010, Invitae). This suggests that this residue is clinically significant, and that variants that disrupt this residue are likely to be disease-causing. Advanced modeling of protein sequence and biophysical properties (such as structural, functional, and spatial information, amino acid conservation, physicochemical variation, residue mobility, and thermodynamic stability) performed at Invitae indicates that this missense variant is expected to disrupt GABRB3 protein function. This sequence change replaces lysine with glutamic acid at codon 127 of the GABRB3 protein (p.Lys127Glu). The lysine residue is highly conserved and there is a small physicochemical difference between lysine and glutamic acid.

Literature cited by the submitters: PubMed 28053010.